The following is an entry in ClinVar:

NM_001330260.2(SCN8A):c.3645+14G>C

Gene: SCN8A (sodium voltage-gated channel alpha subunit 8; plus strand). Cytogenetic location: 12q13.13.
Variant type: single nucleotide variant.
Coding change: c.3645+14G>C on transcript NM_001330260.2 (MANE Select); 14 bases into the intron after coding-DNA position 3645, G replaced by C.
Molecular consequence: intron variant.
Genome position (GRCh38, 1-based): chr12:51,770,697, G>C. VCF-style: chr12-51770697-G-C. GRCh37 (hg19) VCF-style: chr12-52164481-G-C.
Other names: c.3645+14G>C (NM_014191.4, NM_001177984.3, NM_001369788.1).
Identifiers: ClinVar variation 378561 (VCV000378561.10), dbSNP rs202031360, ClinGen allele CA6571646.

ClinVar aggregate classification (germline): Benign/Likely benign. Review status: criteria provided, multiple submitters, no conflicts (2 of 4 stars). 2 submissions from 2 submitters: Benign (1); Likely benign (1). Last evaluated 2026-01-26.

Conditions:
Early-infantile DEE. Also called: Ohtahara syndrome; Early infantile epileptic encephalopathy with suppression bursts; Early infantile epileptic encephalopathy. Identifiers: Orphanet 1934, MedGen C0393706, MONDO:0800491.

Allele frequency attached by ClinVar (database versions not stated): gnomAD 0.00003; TOPMed 0.00009; 1000 Genomes Project 30x 0.00016; 1000 Genomes Project 0.00020.
gnomAD v4.1: 46 of 1,613,080 alleles (0.0029%); highest among the groups gnomAD compares: Admixed American, 0.072%; no homozygotes.

Submissions (2):

Labcorp Genetics (formerly Invitae), Labcorp
Classification: Benign for Early-infantile DEE. Last evaluated: 2026-01-26. Review status: criteria provided, single submitter. Criteria: Invitae Variant Classification Sherloc (09022015). Collection method: clinical testing. Allele origin: germline.

GeneDx
Classification: Likely benign. Last evaluated: 2017-12-15. Review status: criteria provided, single submitter. Criteria: GeneDx Variant Classification (06012015). Collection method: clinical testing. Allele origin: germline. Affected: yes.
Comment: This variant is considered likely benign or benign based on one or more of the following criteria: it is a conservative change, it occurs at a poorly conserved position in the protein, it is predicted to be benign by multiple in silico algorithms, and/or has population frequency not consistent with disease.